The following is an entry in ClinVar:

ClinVar aggregate classification (germline): Pathogenic (1 of 4 stars; one submission).

Conditions:
DYRK1A-related intellectual disability syndrome (MRD7). Also called: Intellectual developmental disorder, autosomal dominant 7; DYRK1A Syndrome. Identifiers: Orphanet 464306, MedGen C5568143, MONDO:0013578, OMIM 614104.

Submission:

Labcorp Genetics (formerly Invitae), Labcorp
Classification: Pathogenic for DYRK1A-related intellectual disability syndrome. Last evaluated: 2024-02-24. Review status: criteria provided, single submitter. Criteria: Invitae Variant Classification Sherloc (09022015). Collection method: clinical testing. Allele origin: germline.
Comment: This sequence change creates a premature translational stop signal (p.Glu396*) in the DYRK1A gene. It is expected to result in an absent or disrupted protein product. Loss-of-function variants in DYRK1A are known to be pathogenic (PMID: 25944381). This variant is not present in population databases (gnomAD no frequency). This premature translational stop signal has been observed in individual(s) with DYRK1A-related conditions (PMID: 32555303). ClinVar contains an entry for this variant (Variation ID: 1425863). For these reasons, this variant has been classified as Pathogenic.

Literature cited by the submitters: PubMed 25944381; PubMed 32555303.

NM_001347721.2(DYRK1A):c.1158dup (p.Glu387Ter)

Gene: DYRK1A (dual specificity tyrosine phosphorylation regulated kinase 1A; plus strand). Cytogenetic location: 21q22.13.
Variant type: Duplication.
Coding change: c.1158dup on transcript NM_001347721.2 (MANE Select); coding-DNA position 1158, one base duplicated (T; older notation c.1158dupT).
Protein change: p.Glu387Ter; replaces glutamic acid 387 with a stop codon.
Molecular consequence: nonsense.
Genome position (GRCh38, 1-based): chr21:37,496,204, T duplicated; the last of 3 consecutive T bases (chr21:37,496,202-37,496,204); duplicating any one gives the same sequence. VCF-style (leftmost placement, unchanged base first): chr21-37496201-C-CT. GRCh37 (hg19) VCF-style: chr21-38868503-C-CT.
Other names: c.1158dup, p.Glu387Ter (NM_001347722.2, NM_130436.2); c.1071dup, p.Glu358Ter (NM_001347723.2); c.1185dup, p.Glu396Ter (NM_001396.5, NM_101395.2, NM_130438.2); short protein forms E358*, E396*, E387*.
Identifiers: ClinVar variation 1425863 (VCV001425863.6), dbSNP rs2148627691, ClinGen allele CA2573157429.